The following is an entry in ClinVar:

NM_018292.5(QRSL1):c.859G>A (p.Val287Ile)

Gene: QRSL1 (glutaminyl-tRNA amidotransferase subunit QRSL1; plus strand). Cytogenetic location: 6q21.
Variant type: single nucleotide variant.
Coding change: c.859G>A on transcript NM_018292.5 (MANE Select); coding-DNA position 859, G replaced by A.
Protein change: p.Val287Ile; replaces valine 287 with isoleucine.
Molecular consequence: missense variant.
Genome position (GRCh38, 1-based): chr6:106,654,739, G>A. VCF-style: chr6-106654739-G-A. GRCh37 (hg19) VCF-style: chr6-107102614-G-A.
Other names: c.859G>A (NM_018292.4); short protein forms V287I.
Identifiers: ClinVar variation 1968793 (VCV001968793.6), dbSNP rs1216388009, ClinGen allele CA365154723.
Genomic context (GRCh38, chr6:106,654,739, plus strand): 5'-ATAAAATAATCTATACAGTTCCAATTTTGTATCTTGACTTTTTGCTATAAGGAATATCTT[G>A]TACCGGAATTATCAAGTGAAGTACAGTCTCTTTGGTCCAAAGCTGCTGACCTCTTTGAGT-3'
Protein context (NP_060762.3, residues 277-297): LCIGIPKEYL[Val287Ile]PELSSEVQSL

ClinVar aggregate classification (germline): Conflicting classifications of pathogenicity. Review status: criteria provided, conflicting classifications (1 of 4 stars). 2 submissions from 2 submitters: Uncertain significance (1); Likely benign (1). Last evaluated 2025-08-10.

Conditions:
Inborn genetic diseases. Identifiers: MedGen C0950123, MeSH D030342.

Allele frequency attached by ClinVar (database versions not stated): gnomAD exomes below 0.00001; TOPMed 0.00002; gnomAD 0.00003.
gnomAD v4.1: 9 of 1,609,116 alleles (0.00056%); highest among the groups gnomAD compares: African/African-American, 0.011%; no homozygotes.

Submissions (2):

Ambry Genetics
Classification: Likely benign for Inborn genetic diseases. Last evaluated: 2025-08-10. Review status: criteria provided, single submitter. Criteria: Ambry Variant Classification Scheme 2023. Collection method: clinical testing. Allele origin: germline.

Labcorp Genetics (formerly Invitae), Labcorp
Classification: Uncertain significance. Last evaluated: 2022-05-10. Review status: criteria provided, single submitter. Criteria: Invitae Variant Classification Sherloc (09022015). Collection method: clinical testing. Allele origin: germline.
Comment: In summary, the available evidence is currently insufficient to determine the role of this variant in disease. Therefore, it has been classified as a Variant of Uncertain Significance. Algorithms developed to predict the effect of missense changes on protein structure and function output the following: SIFT: "Tolerated"; PolyPhen-2: "Benign"; Align-GVGD: "Class C0". The isoleucine amino acid residue is found in multiple mammalian species, which suggests that this missense change does not adversely affect protein function. This variant has not been reported in the literature in individuals affected with QRSL1-related conditions. This variant is not present in population databases (gnomAD no frequency). This sequence change replaces valine, which is neutral and non-polar, with isoleucine, which is neutral and non-polar, at codon 287 of the QRSL1 protein (p.Val287Ile).